The following is an entry in ClinVar:

NM_000018.4(ACADVL):c.1865A>G (p.Gln622Arg)

Gene: ACADVL (acyl-CoA dehydrogenase very long chain; plus strand). Cytogenetic location: 17p13.1.
Variant type: single nucleotide variant.
Coding change: c.1865A>G on transcript NM_000018.4 (MANE Select); coding-DNA position 1865, A replaced by G.
Protein change: p.Gln622Arg; replaces glutamine 622 with arginine.
Molecular consequence: missense variant.
Genome position (GRCh38, 1-based): chr17:7,224,994, A>G. VCF-style: chr17-7224994-A-G. GRCh37 (hg19) VCF-style: chr17-7128313-A-G.
Other names: c.1799A>G, p.Gln600Arg (NM_001033859.3); c.1934A>G, p.Gln645Arg (NM_001270447.2); c.1637A>G, p.Gln546Arg (NM_001270448.2); short protein forms Q546R, Q600R, Q645R, Q622R.
Identifiers: ClinVar variation 1904061 (VCV001904061.2), dbSNP rs1412505801, ClinGen allele CA397726058.
Genomic context (GRCh38, chr17:7,224,994, plus strand): 5'-AACCCCTCCTTCCCTCTCCCCAGGCTGCAGCTCGGATCCGAGAGGGCATGGCCGCCCTGC[A>G]GTCTGACCCCTGGCAGCAAGAGCTCTACCGCAACTTCAAAAGCATCTCCAAGGCCTTGGT-3'
Protein context (NP_000009.1, residues 612-632): ARIREGMAAL[Gln622Arg]SDPWQQELYR

ClinVar aggregate classification (germline): Uncertain significance (1 of 4 stars; one submission).

Conditions:
Very long chain acyl-CoA dehydrogenase deficiency (ACADVLD). Also called: Very Long-Chain Acyl-Coenzyme A Dehydrogenase Deficiency; VLCAD Deficiency. Identifiers: Orphanet 26793, MedGen C3887523, MONDO:0008723, OMIM 201475.

Allele frequency attached by ClinVar (database versions not stated): gnomAD 0.00001; gnomAD exomes 0.00001; TOPMed 0.00001.
gnomAD v4.1: 15 of 1,613,940 alleles (0.00093%); highest among the groups gnomAD compares: African/African-American, 0.0013%; no homozygotes.

Submission:

Labcorp Genetics (formerly Invitae), Labcorp
Classification: Uncertain significance for Very long chain acyl-CoA dehydrogenase deficiency. Last evaluated: 2022-01-20. Review status: criteria provided, single submitter. Criteria: Invitae Variant Classification Sherloc (09022015). Collection method: clinical testing. Allele origin: germline.
Comment: This sequence change replaces glutamine, which is neutral and polar, with arginine, which is basic and polar, at codon 622 of the ACADVL protein (p.Gln622Arg). This variant is not present in population databases (gnomAD no frequency). This variant has not been reported in the literature in individuals affected with ACADVL-related conditions. Algorithms developed to predict the effect of missense changes on protein structure and function (SIFT, PolyPhen-2, Align-GVGD) all suggest that this variant is likely to be tolerated. In summary, the available evidence is currently insufficient to determine the role of this variant in disease. Therefore, it has been classified as a Variant of Uncertain Significance.